The following is an entry in ClinVar:

ClinVar aggregate classification (germline): Likely benign. Review status: criteria provided, multiple submitters, no conflicts (2 of 4 stars). 4 submissions from 4 submitters: Likely benign (4). Last evaluated 2026-01-25.

Conditions:
Cardiovascular phenotype. Identifiers: MedGen CN230736.

Allele frequency attached by ClinVar (database versions not stated): gnomAD 0.00001; gnomAD exomes 0.00001; TOPMed 0.00002.
gnomAD v4.1: 11 of 1,542,128 alleles (0.00071%); highest among the groups gnomAD compares: South Asian, 0.0012%; no homozygotes.

Submissions (4):

Labcorp Genetics (formerly Invitae), Labcorp
Classification: Likely benign. Last evaluated: 2026-01-25. Review status: criteria provided, single submitter. Criteria: Invitae Variant Classification Sherloc (09022015). Collection method: clinical testing. Allele origin: germline.

Women's Health and Genetics/Laboratory Corporation of America, LabCorp
Classification: Likely benign. Last evaluated: 2025-05-05. Review status: criteria provided, single submitter. Criteria: LabCorp Variant Classification Summary - May 2015. Collection method: clinical testing. Allele origin: germline.

Mayo Clinic Laboratories, Mayo Clinic
Classification: Likely benign. Last evaluated: 2025-01-09. Review status: criteria provided, single submitter. Criteria: ACMG Guidelines, 2015. Collection method: clinical testing. Allele origin: germline. Observed: 1 variant allele.
Comment: BP4, BP7

Ambry Genetics
Classification: Likely benign for Cardiovascular phenotype. Last evaluated: 2022-09-19. Review status: criteria provided, single submitter. Criteria: Ambry Variant Classification Scheme 2023. Collection method: clinical testing. Allele origin: germline.

NM_001367624.2(ZNF469):c.2199C>T (p.Cys733=)

Gene: ZNF469 (zinc finger protein 469; plus strand). Cytogenetic location: 16q24.2.
Variant type: single nucleotide variant.
Coding change: c.2199C>T on transcript NM_001367624.2 (MANE Select); coding-DNA position 2199, C replaced by T.
Protein change: p.Cys733=; no amino-acid change (cysteine 733 retained).
Molecular consequence: synonymous variant.
Genome position (GRCh38, 1-based): chr16:88,429,669, C>T. VCF-style: chr16-88429669-C-T. GRCh37 (hg19) VCF-style: chr16-88496077-C-T.
Other names: NM_001127464.1:c.2199C>T; p.Cys733=.
Identifiers: ClinVar variation 1550815 (VCV001550815.12), dbSNP rs971503961, ClinGen allele CA286373439.